The following is an entry in ClinVar:

NM_030777.4(SLC2A10):c.353C>G (p.Ala118Gly)

Gene: SLC2A10 (solute carrier family 2 member 10; plus strand). Cytogenetic location: 20q13.12.
Variant type: single nucleotide variant.
Coding change: c.353C>G on transcript NM_030777.4 (MANE Select); coding-DNA position 353, C replaced by G.
Protein change: p.Ala118Gly; replaces alanine 118 with glycine.
Molecular consequence: missense variant.
Genome position (GRCh38, 1-based): chr20:46,725,389, C>G. VCF-style: chr20-46725389-C-G. GRCh37 (hg19) VCF-style: chr20-45354028-C-G.
Other names: short protein forms A118G.
Identifiers: ClinVar variation 4864604 (VCV004864604.1).

ClinVar aggregate classification (germline): Uncertain significance (1 of 4 stars; one submission).

Conditions:
Familial thoracic aortic aneurysm and aortic dissection (TAAD). Also called: Thoracic aortic aneurysms and dissections. Identifiers: Orphanet 91387, MedGen C4707243, MONDO:0019625.

Submission:

Ambry Genetics
Classification: Uncertain significance for Familial thoracic aortic aneurysm and aortic dissection. Last evaluated: 2026-06-12. Review status: criteria provided, single submitter. Criteria: Ambry Variant Classification Scheme 2023. Collection method: clinical testing. Allele origin: germline.
Comment: The p.A118G variant (also known as c.353C>G), located in coding exon 2 of the SLC2A10 gene, results from a C to G substitution at nucleotide position 353. The alanine at codon 118 is replaced by glycine, an amino acid with similar properties. This amino acid position is conserved. In addition, this alteration is predicted to be tolerated by in silico analysis. Based on the available evidence, the clinical significance of this variant remains unclear.